The following is an entry in ClinVar:

NM_002449.5(MSX2):c.116G>T (p.Arg39Leu)

Gene: MSX2 (msh homeobox 2; plus strand). Cytogenetic location: 5q35.2.
Variant type: single nucleotide variant.
Coding change: c.116G>T on transcript NM_002449.5 (MANE Select); coding-DNA position 116, G replaced by T.
Protein change: p.Arg39Leu; replaces arginine 39 with leucine.
Molecular consequence: missense variant.
Genome position (GRCh38, 1-based): chr5:174,724,775, G>T. VCF-style: chr5-174724775-G-T. GRCh37 (hg19) VCF-style: chr5-174151778-G-T.
Other names: c.116G>T, p.Arg39Leu (NM_001363626.2); short protein forms R39L.
Identifiers: ClinVar variation 2049884 (VCV002049884.5), dbSNP rs1385761840, ClinGen allele CA362229151.

ClinVar aggregate classification (germline): Uncertain significance. Review status: criteria provided, multiple submitters, no conflicts (2 of 4 stars). 2 submissions from 2 submitters: Uncertain significance (2). Last evaluated 2025-03-16.

Conditions:
Cranium bifidum occultum. Also called: CATLIN MARKS; Enlarged Parietal Foramina; CRANIUM BIFIDUM, HEREDITARY. Identifiers: MedGen C1868598, HP:0004423.
Inborn genetic diseases. Identifiers: MedGen C0950123, MeSH D030342.

Allele frequency attached by ClinVar (database versions not stated): gnomAD 0.00001.

Submissions (2):

Labcorp Genetics (formerly Invitae), Labcorp
Classification: Uncertain significance for Cranium bifidum occultum. Last evaluated: 2025-03-16. Review status: criteria provided, single submitter. Criteria: Invitae Variant Classification Sherloc (09022015). Collection method: clinical testing. Allele origin: germline.
Comment: This sequence change replaces arginine, which is basic and polar, with leucine, which is neutral and non-polar, at codon 39 of the MSX2 protein (p.Arg39Leu). This variant is present in population databases (no rsID available, gnomAD 0.007%). This variant has not been reported in the literature in individuals affected with MSX2-related conditions. ClinVar contains an entry for this variant (Variation ID: 2049884). Invitae Evidence Modeling of protein sequence and biophysical properties (such as structural, functional, and spatial information, amino acid conservation, physicochemical variation, residue mobility, and thermodynamic stability) indicates that this missense variant is not expected to disrupt MSX2 protein function with a negative predictive value of 80%. In summary, the available evidence is currently insufficient to determine the role of this variant in disease. Therefore, it has been classified as a Variant of Uncertain Significance.

Ambry Genetics
Classification: Uncertain significance for Inborn genetic diseases. Last evaluated: 2022-08-26. Review status: criteria provided, single submitter. Criteria: Ambry Variant Classification Scheme 2023. Collection method: clinical testing. Allele origin: germline.